The following is an entry in ClinVar:

ClinVar aggregate classification (germline): Uncertain significance. Review status: criteria provided, multiple submitters, no conflicts (2 of 4 stars). 2 submissions from 2 submitters: Uncertain significance (2). Last evaluated 2025-02-20.

Allele frequency attached by ClinVar (database versions not stated): gnomAD 0.00001.

Submissions (2):

Ambry Genetics
Classification: Uncertain significance. Last evaluated: 2025-02-20. Review status: criteria provided, single submitter. Criteria: Ambry Variant Classification Scheme 2023. Collection method: clinical testing. Allele origin: germline.

Labcorp Genetics (formerly Invitae), Labcorp
Classification: Uncertain significance. Last evaluated: 2023-08-10. Review status: criteria provided, single submitter. Criteria: Invitae Variant Classification Sherloc (09022015). Collection method: clinical testing. Allele origin: germline.
Comment: ClinVar contains an entry for this variant (Variation ID: 1944440). In summary, the available evidence is currently insufficient to determine the role of this variant in disease. Therefore, it has been classified as a Variant of Uncertain Significance. An algorithm developed to predict the effect of missense changes on protein structure and function (PolyPhen-2) suggests that this variant is likely to be tolerated. This variant has not been reported in the literature in individuals affected with EXOC3L2-related conditions. This variant is present in population databases (no rsID available, gnomAD 0.004%). This sequence change replaces arginine, which is basic and polar, with glycine, which is neutral and non-polar, at codon 169 of the EXOC3L2 protein (p.Arg169Gly).

NM_001382422.1(EXOC3L2):c.1684C>G (p.Arg562Gly)

Gene: EXOC3L2 (exocyst complex component 3 like 2; minus strand). Cytogenetic location: 19q13.32.
Variant type: single nucleotide variant.
Coding change: c.1684C>G on transcript NM_001382422.1 (MANE Select); coding-DNA position 1684, C replaced by G.
Protein change: p.Arg562Gly; replaces arginine 562 with glycine.
Molecular consequence: missense variant.
Genome position (GRCh38, 1-based): chr19:45,224,813, G>C on the plus strand (C>G on the coding strand, the complement: EXOC3L2 is on the minus strand). VCF-style: chr19-45224813-G-C. GRCh37 (hg19) VCF-style: chr19-45728071-G-C.
Other names: NM_138568.3:c.505C>G; short protein forms R562G.
Identifiers: ClinVar variation 1944440 (VCV001944440.6), dbSNP rs537583453, ClinGen allele CA406335018.